The following is an entry in ClinVar:

NM_000135.4(FANCA):c.2151+4G>A

Gene: FANCA (FA complementation group A; minus strand). Cytogenetic location: 16q24.3.
Variant type: single nucleotide variant.
Coding change: c.2151+4G>A on transcript NM_000135.4 (MANE Select); 4 bases into the intron after coding-DNA position 2151, G replaced by A.
Molecular consequence: intron variant.
Genome position (GRCh38, 1-based): chr16:89,771,674, C>T on the plus strand (G>A on the coding strand, the complement: FANCA is on the minus strand). VCF-style: chr16-89771674-C-T. GRCh37 (hg19) VCF-style: chr16-89838082-C-T.
Other names: c.2151+4G>A (NM_001286167.3, LRG_495t1).
Identifiers: ClinVar variation 658345 (VCV000658345.8), dbSNP rs1598113342, ClinGen allele CA915949446.
Genomic context (GRCh38, chr16:89,771,674, plus strand): 5'-TAATGCCTCTGCCTAATGGAAAATGGTGAAGACCCCCTGCTTTGTTCTGAGCCCCTACAC[C>T]TACCATGTGTTCCCGTGGCTCCAGTCTCGGCGTGTTGATGCTGAGCTGAATCTTTGATAT-3'

ClinVar aggregate classification (germline): Uncertain significance (1 of 4 stars; one submission).

Conditions:
Fanconi anemia (FA). Also called: Fanconi's anemia. Identifiers: Orphanet 84, MedGen C0015625, MeSH D005199, MONDO:0019391.

Submission:

Labcorp Genetics (formerly Invitae), Labcorp
Classification: Uncertain significance for Fanconi anemia. Last evaluated: 2018-08-23. Review status: criteria provided, single submitter. Criteria: Invitae Variant Classification Sherloc (09022015). Collection method: clinical testing. Allele origin: germline.
Comment: In summary, the available evidence is currently insufficient to determine the role of this variant in disease. Therefore, it has been classified as a Variant of Uncertain Significance. Nucleotide substitutions within the consensus splice site are a relatively common cause of aberrant splicing (PMID: 17576681, 9536098). Algorithms developed to predict the effect of sequence changes on RNA splicing suggest that this variant is not likely to affect RNA splicing, but this prediction has not been confirmed by published transcriptional studies. This variant has not been reported in the literature in individuals with FANCA-related disease. This variant is not present in population databases (ExAC no frequency). This sequence change falls in intron 23 of the FANCA gene. It does not directly change the encoded amino acid sequence of the FANCA protein, but it affects a nucleotide within the consensus splice site of the intron.

Literature cited by the submitters: PubMed 17576681; PubMed 9536098.